The following is an entry in ClinVar:

NM_000130.5(F5):c.256C>T (p.Leu86Phe)

Gene: F5 (coagulation factor V; minus strand). Cytogenetic location: 1q24.2.
Variant type: single nucleotide variant.
Coding change: c.256C>T on transcript NM_000130.5 (MANE Select); coding-DNA position 256, C replaced by T.
Protein change: p.Leu86Phe; replaces leucine 86 with phenylalanine.
Molecular consequence: missense variant.
Genome position (GRCh38, 1-based): chr1:169,572,338, G>A on the plus strand (C>T on the coding strand, the complement: F5 is on the minus strand). VCF-style: chr1-169572338-G-A. GRCh37 (hg19) VCF-style: chr1-169541576-G-A.
Other names: p.Leu86Phe; short protein forms L86F.
Identifiers: ClinVar variation 2363020 (VCV002363020.8), dbSNP rs774205060, ClinGen allele CA1234670.

ClinVar aggregate classification (germline): Uncertain significance. Review status: criteria provided, multiple submitters, no conflicts (2 of 4 stars). 5 submissions from 5 submitters: Uncertain significance (5). Last evaluated 2025-12-29.

Conditions:
F5-related disorder. Also called: F5-related condition.
Inborn genetic diseases. Identifiers: MedGen C0950123, MeSH D030342.

Allele frequency attached by ClinVar (database versions not stated): gnomAD 0.00003; TOPMed 0.00008; gnomAD exomes 0.00009; ExAC 0.00013.

Submissions (5):

Center for Genomic Medicine, Rigshospitalet, Copenhagen University Hospital
Classification: Uncertain significance. Last evaluated: 2025-12-29. Review status: criteria provided, single submitter. Criteria: ACMG Guidelines, 2015. Collection method: clinical testing. Allele origin: germline.

Ambry Genetics
Classification: Uncertain significance for Inborn genetic diseases. Last evaluated: 2025-08-28. Review status: criteria provided, single submitter. Criteria: Ambry Variant Classification Scheme 2023. Collection method: clinical testing. Allele origin: germline.
Comment: The p.L86F variant (also known as c.256C>T), located in coding exon 3 of the F5 gene, results from a C to T substitution at nucleotide position 256. The leucine at codon 86 is replaced by phenylalanine, an amino acid with highly similar properties. This amino acid position is conserved. In addition, this alteration is predicted to be deleterious by in silico analysis. Based on the available evidence, the clinical significance of this variant remains unclear.

PreventionGenetics, part of Exact Sciences
Classification: Uncertain significance for F5-related condition. Last evaluated: 2025-08-10. Review status: criteria provided, single submitter. Criteria: ACMG Guidelines, 2015. Collection method: clinical testing. Allele origin: germline.
Comment: The F5 c.256C>T variant is predicted to result in the amino acid substitution p.Leu86Phe. To our knowledge, this variant has not been reported in the literature. This variant is reported in 0.14% of alleles in individuals of Latino descent in gnomAD. At this time, the clinical significance of this variant is uncertain due to the absence of conclusive functional and genetic evidence.

Women's Health and Genetics/Laboratory Corporation of America, LabCorp
Classification: Uncertain significance. Last evaluated: 2025-04-23. Review status: criteria provided, single submitter. Criteria: LabCorp Variant Classification Summary - May 2015. Collection method: clinical testing. Allele origin: germline.
Comment: Variant summary: F5 c.256C>T (p.Leu86Phe) results in a non-conservative amino acid change in the encoded protein sequence. Five of five in-silico tools predict a damaging effect of the variant on protein function. The variant allele was found at a frequency of 3.8e-05 in 1606006 control chromosomes in the gnomAD database, including 1 homozygote. This frequency is not higher than the maximum estimated for a pathogenic variant in F5 causing Congenital Factor V Deficiency, allowing no conclusion about variant significance. To our knowledge, no occurrence of c.256C>T in individuals affected with Congenital Factor V Deficiency and no experimental evidence demonstrating its impact on protein function have been reported. ClinVar contains an entry for this variant (Variation ID: 2363020). Based on the evidence outlined above, the variant was classified as uncertain significance.

Mayo Clinic Laboratories, Mayo Clinic
Classification: Uncertain significance. Last evaluated: 2024-07-10. Review status: criteria provided, single submitter. Criteria: ACMG Guidelines, 2015. Collection method: clinical testing. Allele origin: germline. Observed: 1 variant allele.
Comment: PP3